The following is an entry in ClinVar:

ClinVar aggregate classification (germline): Likely benign. Review status: criteria provided, multiple submitters, no conflicts (2 of 4 stars). 3 submissions from 3 submitters: Likely benign (2). 1 of the submissions does not count toward it. Last evaluated 2025-04-02.

Conditions:
PGM1-related disorder. Also called: PGM1-related disorders; PGM1-related condition.

Allele frequency attached by ClinVar (database versions not stated): 1000 Genomes Project 30x 0.00047; gnomAD 0.00054 and 0.00058; TOPMed 0.00063; 1000 Genomes Project 0.00080.

Submissions (3):

Mayo Clinic Laboratories, Mayo Clinic
Classification: Likely benign. Last evaluated: 2025-04-02. Review status: criteria provided, single submitter. Criteria: ACMG Guidelines, 2015. Collection method: clinical testing. Allele origin: germline. Observed: 1 variant allele.
Comment: BP4, BP7

GeneDx
Classification: Likely benign. Last evaluated: 2017-10-26. Review status: criteria provided, single submitter. Criteria: GeneDx Variant Classification (06012015). Collection method: clinical testing. Allele origin: germline. Affected: yes.
Comment: This variant is considered likely benign or benign based on one or more of the following criteria: it is a conservative change, it occurs at a poorly conserved position in the protein, it is predicted to be benign by multiple in silico algorithms, and/or has population frequency not consistent with disease.

PreventionGenetics, part of Exact Sciences
Classification: Likely benign for PGM1-related condition. Last evaluated: 2019-09-04. Review status: no assertion criteria provided. Collection method: clinical testing. Allele origin: germline. Not counted in ClinVar's aggregate classification.
Comment: This variant is classified as likely benign based on ACMG/AMP sequence variant interpretation guidelines (Richards et al. 2015 PMID: 25741868, with internal and published modifications).

NM_002633.3(PGM1):c.1600-524C>T

Gene: PGM1 (phosphoglucomutase 1; plus strand). Cytogenetic location: 1p31.3.
Variant type: single nucleotide variant.
Coding change: c.1600-524C>T on transcript NM_002633.3 (MANE Select); 524 bases into the intron before coding-DNA position 1600, C replaced by T.
Molecular consequence: intron variant.
Genome position (GRCh38, 1-based): chr1:63,659,062, C>T. VCF-style: chr1-63659062-C-T. GRCh37 (hg19) VCF-style: chr1-64124733-C-T.
Other names: p.?; c.1009-524C>T (NM_001172819.2); c.1654-524C>T (NM_001172818.1).
Identifiers: ClinVar variation 516936 (VCV000516936.4), dbSNP rs149245972, ClinGen allele CA23842769.